The following is an entry in ClinVar:

ClinVar aggregate classification (germline): Pathogenic (1 of 4 stars; one submission).

Conditions:
Hypertrophic cardiomyopathy. Also called: HYPERTROPHIC MYOCARDIOPATHY. Identifiers: Orphanet 217569, MedGen C0007194, MeSH D002312, MONDO:0005045, HP:0001639.

Submission:

Labcorp Genetics (formerly Invitae), Labcorp
Classification: Pathogenic for Hypertrophic cardiomyopathy. Last evaluated: 2024-05-12. Review status: criteria provided, single submitter. Criteria: Invitae Variant Classification Sherloc (09022015). Collection method: clinical testing. Allele origin: germline.
Comment: This sequence change creates a premature translational stop signal (p.Tyr806Thrfs*16) in the MYBPC3 gene. It is expected to result in an absent or disrupted protein product. Loss-of-function variants in MYBPC3 are known to be pathogenic (PMID: 19574547). This variant is not present in population databases (gnomAD no frequency). This variant has not been reported in the literature in individuals affected with MYBPC3-related conditions. For these reasons, this variant has been classified as Pathogenic.

Literature cited by the submitters: PubMed 19574547.

NM_000256.3(MYBPC3):c.2415del (p.Tyr806fs)

Gene: MYBPC3 (myosin binding protein C3; minus strand). Cytogenetic location: 11p11.2.
Variant type: Deletion.
Coding change: c.2415del on transcript NM_000256.3 (MANE Select); coding-DNA position 2415, one base deleted (C; older notation c.2415delC).
Protein change: p.Tyr806fs; shifts the reading frame from tyrosine 806.
Molecular consequence: frameshift variant.
Genome position (GRCh38, 1-based): chr11:47,337,578, G deleted on the plus strand (C on the coding strand, the reverse complement: MYBPC3 is on the minus strand). VCF-style (leftmost placement, unchanged base first): chr11-47337577-AG-A. GRCh37 (hg19) VCF-style: chr11-47359128-AG-A.
Other names: short protein forms Y806fs.
Identifiers: ClinVar variation 3653100 (VCV003653100.2).